The following is an entry in ClinVar:

NM_003482.4(KMT2D):c.11805_11810del (p.Gln3938_Gln3939del)

Gene: KMT2D (lysine methyltransferase 2D; minus strand). Cytogenetic location: 12q13.12.
Variant type: Deletion.
Coding change: c.11805_11810del on transcript NM_003482.4 (MANE Select); coding-DNA positions 11805 to 11810, 6 bases deleted (ACAGCA; older notation c.11805_11810delACAGCA).
Protein change: p.Gln3938_Gln3939del.
Molecular consequence: inframe deletion.
Genome position (GRCh38, 1-based): chr12:49,032,895-49,032,900, TGCTGT deleted on the plus strand (ACAGCA on the coding strand, the reverse complement: KMT2D is on the minus strand); deleting any 6 consecutive bases within chr12:49,032,895-49,032,905 gives the same sequence; the c. name uses the placement nearest the transcript's 3' end. VCF-style (leftmost placement, unchanged base first): chr12-49032894-CTGCTGT-C. GRCh37 (hg19) VCF-style: chr12-49426677-CTGCTGT-C.
Identifiers: ClinVar variation 4702216 (VCV004702216.1).
Genomic context (GRCh38, chr12:49,032,894, plus strand): 5'-CTGTTGTAGCTGCTGTTGCTGCTGTTGAAGCTGTTGCTGCTGCTGTTGTTGAAGCTGCTG[CTGCTGT>C]TGCTGCTGTTGAAGCTGTTGCTGCTGAAGTTGCTGTTGCTGTTGTAGCTGCTGCTGCTGC-3'

ClinVar aggregate classification (germline): Uncertain significance (1 of 4 stars; one submission).

Conditions:
Kabuki syndrome. Also called: NIIKAWA-KUROKI SYNDROME; Kabuki make-up syndrome. Identifiers: Orphanet 2322, MedGen C0796004, MONDO:0016512.

Submission:

Labcorp Genetics (formerly Invitae), Labcorp
Classification: Uncertain significance for Kabuki syndrome. Last evaluated: 2026-01-18. Review status: criteria provided, single submitter. Criteria: Invitae Variant Classification Sherloc (09022015). Collection method: clinical testing. Allele origin: germline.
Comment: This variant, c.11805_11810del, results in the deletion of 2 amino acid(s) of the KMT2D protein (p.Gln3938_Gln3939del), but otherwise preserves the integrity of the reading frame. The frequency data for this variant in the population databases is considered unreliable, as metrics indicate poor data quality at this position in the gnomAD database. This variant has not been reported in the literature in individuals affected with KMT2D-related conditions. Experimental studies and prediction algorithms are not available or were not evaluated, and the functional significance of this variant is currently unknown. In summary, the available evidence is currently insufficient to determine the role of this variant in disease. Therefore, it has been classified as a Variant of Uncertain Significance.